The following is an entry in ClinVar:

NM_032482.3(DOT1L):c.3145_3153delinsTGAGAGTGAAGCCAA (p.Ile1049_Thr1051delinsTer)

Gene: DOT1L (DOT1 like histone lysine methyltransferase; plus strand). Cytogenetic location: 19p13.3.
Variant type: Indel.
Coding change: c.3145_3153delinsTGAGAGTGAAGCCAA on transcript NM_032482.3 (MANE Select); coding-DNA positions 3145 to 3153, ATCACCACT replaced by TGAGAGTGAAGCCAA.
Protein change: p.Ile1049_Thr1051delinsTer.
Molecular consequence: nonsense.
Genome position (GRCh38, 1-based): chr19:2,222,314-2,222,322, ATCACCACT replaced by TGAGAGTGAAGCCAA. VCF-style: chr19-2222314-ATCACCACT-TGAGAGTGAAGCCAA. GRCh37 (hg19) VCF-style: chr19-2222313-ATCACCACT-TGAGAGTGAAGCCAA.
Other names: c.3145_3153delinsTGAGAGTGAAGCCAA, p.Ile1049_Thr1051delinsTer (NM_001411141.1).
Identifiers: ClinVar variation 3372784 (VCV003372784.1).
Genomic context (GRCh38, chr19:2,222,314, plus strand): 5'-CCCTCCGATTCCGGCTTCTCAGATCCTGAGAGTGAAGCCAAGAGGAGGATTGTGTTCACC[ATCACCACT>TGAGAGTGAAGCCAA]GGTGCGGGCAGTGCCAAGCAGTCGCCCTCCAGCAAGCACAGCCCCCTGACCGCCAGCGCC-3'

ClinVar aggregate classification (germline): Uncertain significance (1 of 4 stars; one submission).

Submission:

GeneDx
Classification: Uncertain significance. Last evaluated: 2024-04-18. Review status: criteria provided, single submitter. Criteria: GeneDx Variant Classification Process June 2021. Collection method: clinical testing. Allele origin: germline. Affected: yes.
Comment: Not observed at significant frequency in large population cohorts (gnomAD); Nonsense variant predicted to result in protein truncation or nonsense mediated decay in a gene or region of a gene for which loss of function is not a well-established mechanism of disease; Has not been previously published as pathogenic or benign to our knowledge